The following is an entry in ClinVar:

ClinVar aggregate classification (germline): Uncertain significance. Review status: criteria provided, multiple submitters, no conflicts (2 of 4 stars). 2 submissions from 2 submitters: Uncertain significance (2). Last evaluated 2025-01-22.

Conditions:
Primary dilated cardiomyopathy (DCM). Also called: Dilated Cardiomyopathy. Identifiers: Orphanet 217604, MedGen C0007193, MeSH D002311, MONDO:0005021, HP:0001644. Inheritance: Various modes of inheritance.

Allele frequency attached by ClinVar (database versions not stated): gnomAD exomes below 0.00001.
gnomAD v4.1: 5 of 1,594,578 alleles (0.00031%); highest among the groups gnomAD compares: Non-Finnish European, 0.00043%; no homozygotes.

Submissions (2):

Labcorp Genetics (formerly Invitae), Labcorp
Classification: Uncertain significance for Primary dilated cardiomyopathy. Last evaluated: 2025-01-22. Review status: criteria provided, single submitter. Criteria: Invitae Variant Classification Sherloc (09022015). Collection method: clinical testing. Allele origin: germline.
Comment: This sequence change replaces tyrosine, which is neutral and polar, with aspartic acid, which is acidic and polar, at codon 719 of the NEBL protein (p.Tyr719Asp). This variant is present in population databases (no rsID available, gnomAD 0.0009%). This variant has not been reported in the literature in individuals affected with NEBL-related conditions. ClinVar contains an entry for this variant (Variation ID: 571999). An algorithm developed to predict the effect of missense changes on protein structure and function (PolyPhen-2) suggests that this variant is likely to be disruptive. In summary, the available evidence is currently insufficient to determine the role of this variant in disease. Therefore, it has been classified as a Variant of Uncertain Significance.

Ambry Genetics
Classification: Uncertain significance. Last evaluated: 2024-03-15. Review status: criteria provided, single submitter. Criteria: Ambry Variant Classification Scheme 2023. Collection method: clinical testing. Allele origin: germline.

NM_006393.3(NEBL):c.2155T>G (p.Tyr719Asp)

Gene: NEBL (nebulette; minus strand). Cytogenetic location: 10p12.31.
Variant type: single nucleotide variant.
Coding change: c.2155T>G on transcript NM_006393.3 (MANE Select); coding-DNA position 2155, T replaced by G.
Protein change: p.Tyr719Asp; replaces tyrosine 719 with aspartic acid.
Molecular consequence: missense variant. On other transcripts: intron variant (9).
Genome position (GRCh38, 1-based): chr10:20,815,711, A>C on the plus strand (T>G on the coding strand, the complement: NEBL is on the minus strand). VCF-style: chr10-20815711-A-C. GRCh37 (hg19) VCF-style: chr10-21104640-A-C.
Other names: c.250-2771T>G (NM_001377326.1, NM_001377327.1, NM_001377328.1); c.358-2771T>G (NM_213569.2, NM_001173484.2, NM_001377322.1); c.301-2771T>G (NM_001377324.1); c.292-2771T>G (NM_001377325.1); c.310-2771T>G (NM_001377323.1); short protein forms Y719D.
Identifiers: ClinVar variation 571999 (VCV000571999.12), dbSNP rs1427758049, ClinGen allele CA376093998.